The following is an entry in ClinVar:

ClinVar aggregate classification (germline): Uncertain significance (1 of 4 stars; one submission).

Conditions:
Cornelia de Lange syndrome 3 (CDLS3). Also called: SMC3-Related Cornelia de Lange Syndrome; CORNELIA DE LANGE SYNDROME 3 WITH OR WITHOUT MIDLINE BRAIN DEFECTS. Identifiers: Orphanet 199, MedGen C1853099, MONDO:0012555, OMIM 610759.

Submission:

Labcorp Genetics (formerly Invitae), Labcorp
Classification: Uncertain significance for Cornelia de Lange syndrome 3. Last evaluated: 2023-07-09. Review status: criteria provided, single submitter. Criteria: Invitae Variant Classification Sherloc (09022015). Collection method: clinical testing. Allele origin: germline.
Comment: In summary, the available evidence is currently insufficient to determine the role of this variant in disease. Therefore, it has been classified as a Variant of Uncertain Significance. Algorithms developed to predict the effect of sequence changes on RNA splicing suggest that this variant may disrupt the consensus splice site. This variant has not been reported in the literature in individuals affected with SMC3-related conditions. This variant is not present in population databases (gnomAD no frequency). This sequence change falls in intron 7 of the SMC3 gene. It does not directly change the encoded amino acid sequence of the SMC3 protein.

NM_005445.4(SMC3):c.429+16G>T

Gene: SMC3 (structural maintenance of chromosomes 3; plus strand). Cytogenetic location: 10q25.2.
Variant type: single nucleotide variant.
Coding change: c.429+16G>T on transcript NM_005445.4 (MANE Select); 16 bases into the intron after coding-DNA position 429, G replaced by T.
Molecular consequence: intron variant.
Genome position (GRCh38, 1-based): chr10:110,578,722, G>T. VCF-style: chr10-110578722-G-T. GRCh37 (hg19) VCF-style: chr10-112338480-G-T.
Identifiers: ClinVar variation 2739703 (VCV002739703.3), dbSNP rs770985297, ClinGen allele CA2610884053.
Genomic context (GRCh38, chr10:110,578,722, plus strand): 5'-GGTTTTTCTCGAAGCAATCCTTATTATATTGTTAAACAAGGAAAGGTAAAACAATTGTAT[G>T]TCCTTTTTAAGTAGAATTTGTTTTCTGAGTAATTCTTGAGTGATGAATTTGGTTTATTGA-3'